The following is an entry in ClinVar:

NM_015261.3(NCAPD3):c.2675-4G>A

Gene: NCAPD3 (non-SMC condensin II complex subunit D3; minus strand). Cytogenetic location: 11q25.
Variant type: single nucleotide variant.
Coding change: c.2675-4G>A on transcript NM_015261.3 (MANE Select); 4 bases into the intron before coding-DNA position 2675, G replaced by A.
Molecular consequence: intron variant.
Genome position (GRCh38, 1-based): chr11:134,178,745, C>T on the plus strand (G>A on the coding strand, the complement: NCAPD3 is on the minus strand). VCF-style: chr11-134178745-C-T. GRCh37 (hg19) VCF-style: chr11-134048640-C-T.
Other names: c.2261-4G>A (NM_001372070.1, NM_001372069.1); c.2675-4G>A (NM_001372065.1, NM_001372068.1).
Identifiers: ClinVar variation 3035681 (VCV003035681.2), dbSNP rs143778814, ClinGen allele CA6371171.

ClinVar aggregate classification (germline): Likely benign (0 of 4 stars; one submission).

Conditions:
NCAPD3-related disorder. Also called: NCAPD3-related condition.

Allele frequency attached by ClinVar (database versions not stated): gnomAD exomes 0.00004; ExAC 0.00016; ESP Exome Variant Server 0.00038; gnomAD 0.00046; 1000 Genomes Project 0.00060; 1000 Genomes Project 30x 0.00062; TOPMed 0.00062.
gnomAD v4.1: 140 of 1,608,328 alleles (0.0087%); highest among the groups gnomAD compares: African/African-American, 0.16%; 1 homozygote.

Submission:

PreventionGenetics, part of Exact Sciences
Classification: Likely benign for NCAPD3-related condition. Last evaluated: 2019-04-24. Review status: no assertion criteria provided. Collection method: clinical testing. Allele origin: germline.
Comment: This variant is classified as likely benign based on ACMG/AMP sequence variant interpretation guidelines (Richards et al. 2015 PMID: 25741868, with internal and published modifications).